The following is an entry in ClinVar:

NM_000059.4(BRCA2):c.292T>G (p.Leu98Val)

Gene: BRCA2 (BRCA2 DNA repair associated; plus strand). Cytogenetic location: 13q13.1.
Variant type: single nucleotide variant.
Coding change: c.292T>G on transcript NM_000059.4 (MANE Select); coding-DNA position 292, T replaced by G.
Protein change: p.Leu98Val; replaces leucine 98 with valine.
Molecular consequence: missense variant.
Genome position (GRCh38, 1-based): chr13:32,319,301, T>G. VCF-style: chr13-32319301-T-G. GRCh37 (hg19) VCF-style: chr13-32893438-T-G.
Other names: short protein forms L98V.
Identifiers: ClinVar variation 51374 (VCV000051374.12), dbSNP rs80358540, ClinGen allele CA016818.

ClinVar aggregate classification (germline): Uncertain significance. Review status: criteria provided, multiple submitters, no conflicts (2 of 4 stars). 5 submissions from 5 submitters: Uncertain significance (4). 1 of the submissions does not count toward it. Last evaluated 2025-05-13.

Conditions:
Hereditary cancer-predisposing syndrome. Also called: Neoplastic Syndromes, Hereditary; Tumor predisposition; Hereditary Cancer Syndrome; Hereditary neoplastic syndrome. Identifiers: Orphanet 140162, MedGen C0027672, MeSH D009386, MONDO:0015356.
Hereditary breast ovarian cancer syndrome. Also called: Hereditary breast and ovarian cancer syndrome; Hereditary breast and ovarian cancer; Hereditary breast and ovarian cancer syndrome (HBOC); Breast and ovarian cancer; Hereditary breast and/or ovarian cancer syndrome; BRCA1- and BRCA2-Associated Hereditary Breast and Ovarian Cancer. Identifiers: Orphanet 145, MedGen C0677776, MeSH D061325, MONDO:0003582. Disease mechanism: loss of function.
Breast-ovarian cancer, familial, susceptibility to, 2 (BROVCA2). Also called: BRCA2 Hereditary Breast and Ovarian Cancer. Identifiers: Orphanet 145, MedGen C2675520, MONDO:0012933, OMIM 612555. Disease mechanism: loss of function.

Submissions (5):

Ambry Genetics
Classification: Uncertain significance for Hereditary cancer-predisposing syndrome. Last evaluated: 2025-05-13. Review status: criteria provided, single submitter. Criteria: Ambry Variant Classification Scheme 2023. Collection method: clinical testing. Allele origin: germline.
Comment: The p.L98V variant (also known as c.292T>G), located in coding exon 2 of the BRCA2 gene, results from a T to G substitution at nucleotide position 292. The leucine at codon 98 is replaced by valine, an amino acid with highly similar properties. This amino acid position is well conserved in available vertebrate species. In addition, this alteration is predicted to be tolerated by in silico analysis. Based on the available evidence, the clinical significance of this variant remains unclear.

GeneDx
Classification: Uncertain significance. Last evaluated: 2024-03-14. Review status: criteria provided, single submitter. Criteria: GeneDx Variant Classification Process June 2021. Collection method: clinical testing. Allele origin: germline. Affected: yes.
Comment: Observed in at least one individual with a Lynch syndrome-associated cancer and/or polyps (PMID: 25980754); Not observed at significant frequency in large population cohorts (gnomAD); In silico analysis supports that this missense variant does not alter protein structure/function; Also known as 520T>G; This variant is associated with the following publications: (PMID: 32377563, 29884841, 25980754)

Labcorp Genetics (formerly Invitae), Labcorp
Classification: Uncertain significance for Hereditary breast ovarian cancer syndrome. Last evaluated: 2023-03-03. Review status: criteria provided, single submitter. Criteria: Invitae Variant Classification Sherloc (09022015). Collection method: clinical testing. Allele origin: germline.
Comment: In summary, the available evidence is currently insufficient to determine the role of this variant in disease. Therefore, it has been classified as a Variant of Uncertain Significance. Advanced modeling of protein sequence and biophysical properties (such as structural, functional, and spatial information, amino acid conservation, physicochemical variation, residue mobility, and thermodynamic stability) performed at Invitae indicates that this missense variant is not expected to disrupt BRCA2 protein function. ClinVar contains an entry for this variant (Variation ID: 51374). This missense change has been observed in individual(s) with clinical features of Lynch syndrome (PMID: 25980754). This variant is not present in population databases (gnomAD no frequency). This sequence change replaces leucine, which is neutral and non-polar, with valine, which is neutral and non-polar, at codon 98 of the BRCA2 protein (p.Leu98Val).

Color Diagnostics, LLC DBA Color Health
Classification: Uncertain significance for Hereditary cancer-predisposing syndrome. Last evaluated: 2019-04-19. Review status: criteria provided, single submitter. Criteria: ACMG Guidelines, 2015. Collection method: clinical testing. Allele origin: germline.

Breast Cancer Information Core (BIC) (BRCA2)
Classification: Uncertain significance for Breast-ovarian cancer, familial 2. Review status: no assertion criteria provided. Collection method: clinical testing. Allele origin: germline. Affected: yes. Observed: 1 variant allele. Not counted in ClinVar's aggregate classification.

Literature cited by the submitters: PubMed 25980754 (cited by Labcorp Genetics (formerly Invitae), Labcorp).